The following is an entry in ClinVar:

ClinVar aggregate classification (germline): Uncertain significance. Review status: criteria provided, multiple submitters, no conflicts (2 of 4 stars). 2 submissions from 2 submitters: Uncertain significance (2). Last evaluated 2025-03-06.

Conditions:
Inborn genetic diseases. Identifiers: MedGen C0950123, MeSH D030342.

Allele frequency attached by ClinVar (database versions not stated): TOPMed 0.00001.
gnomAD v4.1: 14 of 1,598,372 alleles (0.00088%); highest among the groups gnomAD compares: Admixed American, 0.005%; no homozygotes.

Submissions (2):

Labcorp Genetics (formerly Invitae), Labcorp
Classification: Uncertain significance. Last evaluated: 2025-03-06. Review status: criteria provided, single submitter. Criteria: Invitae Variant Classification Sherloc (09022015). Collection method: clinical testing. Allele origin: germline.
Comment: This sequence change replaces histidine, which is basic and polar, with arginine, which is basic and polar, at codon 53 of the GMNN protein (p.His53Arg). This variant is present in population databases (no rsID available, gnomAD 0.009%). This variant has not been reported in the literature in individuals affected with GMNN-related conditions. ClinVar contains an entry for this variant (Variation ID: 1371636). An algorithm developed to predict the effect of missense changes on protein structure and function outputs the following: PolyPhen-2: "Possibly Damaging". The arginine amino acid residue is found in multiple mammalian species, which suggests that this missense change does not adversely affect protein function. In summary, the available evidence is currently insufficient to determine the role of this variant in disease. Therefore, it has been classified as a Variant of Uncertain Significance.

Ambry Genetics
Classification: Uncertain significance for Inborn genetic diseases. Last evaluated: 2022-11-10. Review status: criteria provided, single submitter. Criteria: Ambry Variant Classification Scheme 2023. Collection method: clinical testing. Allele origin: germline.

NM_015895.5(GMNN):c.158A>G (p.His53Arg)

Gene: GMNN (geminin DNA replication inhibitor; plus strand). Cytogenetic location: 6p22.3.
Variant type: single nucleotide variant.
Coding change: c.158A>G on transcript NM_015895.5 (MANE Select); coding-DNA position 158, A replaced by G.
Protein change: p.His53Arg; replaces histidine 53 with arginine.
Molecular consequence: missense variant.
Genome position (GRCh38, 1-based): chr6:24,781,505, A>G. VCF-style: chr6-24781505-A-G. GRCh37 (hg19) VCF-style: chr6-24781733-A-G.
Other names: c.158A>G, p.His53Arg (NM_001251989.2, NM_001251990.2, NM_001251991.1); c.158A>G (NM_015895.3); short protein forms H53R.
Identifiers: ClinVar variation 1371636 (VCV001371636.7), dbSNP rs1053229509, ClinGen allele CA136177274.
Genomic context (GRCh38, chr6:24,781,505, plus strand): 5'-GTAAATACAGTTGATAAGTGTTTTCATTATAGCTGTCCGCAGGCTTGTCCAAAAGGAAAC[A>G]TCGGAATGACCACTTAACATCTACAACTTCCAGCCCTGGGGTTATTGTCCCAGAATCTAG-3'
Protein context (NP_056979.1, residues 43-63): ELSAGLSKRK[His53Arg]RNDHLTSTTS